The following is an entry in ClinVar:

ClinVar aggregate classification (germline): Uncertain significance. Review status: criteria provided, multiple submitters, no conflicts (2 of 4 stars). 2 submissions from 2 submitters: Uncertain significance (2). Last evaluated 2025-01-17.

Conditions:
Immunodeficiency due to MASP-2 deficiency. Also called: MASP2 deficiency; LECTIN COMPLEMENT ACTIVATION PATHWAY, DEFECT IN, 2. Identifiers: Orphanet 331187, MedGen C3151085, MONDO:0013423, OMIM 613791.

Allele frequency attached by ClinVar (database versions not stated): TOPMed 0.00002; gnomAD 0.00003; gnomAD exomes 0.00004 and 0.00010; ExAC 0.00009.
gnomAD v4.1: 30 of 1,614,100 alleles (0.0019%); highest among the groups gnomAD compares: Admixed American, 0.048%; no homozygotes.

Submissions (2):

Ambry Genetics
Classification: Uncertain significance. Last evaluated: 2025-01-17. Review status: criteria provided, single submitter. Criteria: Ambry Variant Classification Scheme 2023. Collection method: clinical testing. Allele origin: germline.

Center for Genomics, Ann and Robert H. Lurie Children's Hospital of Chicago
Classification: Uncertain significance for Immunodeficiency due to MASP-2 deficiency. Last evaluated: 2021-03-30. Review status: criteria provided, single submitter. Criteria: ACMG Guidelines, 2015. Collection method: clinical testing. Allele origin: germline.
Comment: MASP2 NM_006610.3 exon 11 p.His525Arg (c.1574A>G): This variant has not been reported in the literature and is present in 0.07% (26/33582) of Latino alleles in the Genome Aggregation Database. Evolutionary conservation and computational predictive tools suggest that this variant may not impact the protein. In summary, data on this variant is insufficient for disease classification. Therefore, the clinical significance of this variant is uncertain.

NM_006610.4(MASP2):c.1574A>G (p.His525Arg)

Genes: MASP2 (MBL associated serine protease 2; minus strand), TARDBP (TAR DNA binding protein; plus strand). Cytogenetic location: 1p36.22.
Variant type: single nucleotide variant.
Coding change: c.1574A>G on transcript NM_006610.4 (MANE Select); coding-DNA position 1574, A replaced by G.
Protein change: p.His525Arg; replaces histidine 525 with arginine.
Molecular consequence: missense variant.
Genome position (GRCh38, 1-based): chr1:11,027,372, T>C on the plus strand (A>G on the coding strand, the complement: MASP2 is on the minus strand). VCF-style: chr1-11027372-T-C. GRCh37 (hg19) VCF-style: chr1-11087429-T-C.
Other names: c.1574A>G (NM_006610.3); short protein forms H525R.
Identifiers: ClinVar variation 626137 (VCV000626137.3), dbSNP rs745359886, ClinGen allele CA586642.